The following is an entry in ClinVar:

ClinVar aggregate classification (germline): Uncertain significance. Review status: criteria provided, multiple submitters, no conflicts (2 of 4 stars). 7 submissions from 7 submitters: Uncertain significance (5). 2 of the submissions do not count toward it. Last evaluated 2025-11-12.

Conditions:
Congenital myopathy with fiber type disproportion. Also called: Congenital fiber-type disproportion; Congenital fiber-type disproportion myopathy. Identifiers: Orphanet 2020, MedGen C0546264, MONDO:0009711. Inheritance: all.
MYH7-related skeletal myopathy. Also called: Myopathy, distal, 1; Laing distal myopathy; Laing early-onset distal myopathy; MYOPATHY, DISTAL, EARLY-ONSET, AUTOSOMAL DOMINANT; MYOPATHY, LATE DISTAL HEREDITARY. Identifiers: Orphanet 59135, MedGen C4552004, MONDO:0008050, OMIM 160500.
Hypertrophic cardiomyopathy 1 (CMH1). Also called: MYH7-Related Familial Hypertrophic Cardiomyopathy; Familial hypertrophic cardiomyopathy 1. Identifiers: MedGen C3495498, MONDO:0008647, OMIM 192600.
Myosin storage myopathy (CMYO7A). Also called: MYH7-related late-onset scapuloperoneal muscular dystrophy; Congenital myopathy 7A, myosin storage, autosomal dominant; SCAPULOPERONEAL MUSCULAR DYSTROPHY; SCAPULOPERONEAL SYNDROME, MYOPATHIC TYPE; MYOPATHY, HYALINE BODY, AUTOSOMAL DOMINANT; MYOPATHY WITH LYSIS OF TYPE I MYOFIBRILS. Identifiers: Orphanet 437572, Orphanet 636965, MedGen C1842160, MONDO:0008409, OMIM 608358.
Dilated cardiomyopathy 1S (CMD1S). Identifiers: Orphanet 154, Orphanet 54260, MedGen C1834481, MONDO:0013262, OMIM 613426.
Myopathy, myosin storage, autosomal recessive (CMYO7B). Also called: CONGENITAL MYOPATHY 7B, MYOSIN STORAGE, AUTOSOMAL RECESSIVE. Identifiers: Orphanet 636970, MedGen C1850709, MONDO:0009708, OMIM 255160.
Cardiomyopathy (CMYO). Also called: Cardiomyopathies. Identifiers: Orphanet 167848, MedGen C0878544, MONDO:0004994, HP:0001638. Inheritance: Various modes of inheritance.
Cardiovascular phenotype. Identifiers: MedGen CN230736.
Hypertrophic cardiomyopathy. Also called: HYPERTROPHIC MYOCARDIOPATHY. Identifiers: Orphanet 217569, MedGen C0007194, MeSH D002312, MONDO:0005045, HP:0001639.

Allele frequency attached by ClinVar (database versions not stated): gnomAD exomes below 0.00001; TOPMed below 0.00001; gnomAD 0.00001.
gnomAD v4.1: 24 of 1,614,046 alleles (0.0015%); highest among the groups gnomAD compares: Non-Finnish European, 0.0019%; no homozygotes.

Submissions (7):

Labcorp Genetics (formerly Invitae), Labcorp
Classification: Uncertain significance for Hypertrophic cardiomyopathy. Last evaluated: 2025-11-12. Review status: criteria provided, single submitter. Criteria: Invitae Variant Classification Sherloc (09022015). Collection method: clinical testing. Allele origin: germline.
Comment: This sequence change replaces arginine, which is basic and polar, with glutamine, which is neutral and polar, at codon 1592 of the MYH7 protein (p.Arg1592Gln). This variant is present in population databases (no rsID available, gnomAD 0.0009%). This variant has not been reported in the literature in individuals affected with MYH7-related conditions. ClinVar contains an entry for this variant (Variation ID: 583310). Invitae Evidence Modeling of protein sequence and biophysical properties (such as structural, functional, and spatial information, amino acid conservation, physicochemical variation, residue mobility, and thermodynamic stability) indicates that this missense variant is expected to disrupt MYH7 protein function with a positive predictive value of 95%. In summary, the available evidence is currently insufficient to determine the role of this variant in disease. Therefore, it has been classified as a Variant of Uncertain Significance.

Ambry Genetics
Classification: Uncertain significance for Cardiovascular phenotype. Last evaluated: 2024-09-20. Review status: criteria provided, single submitter. Criteria: Ambry Variant Classification Scheme 2023. Collection method: clinical testing. Allele origin: germline.
Comment: The p.R1592Q variant (also known as c.4775G>A), located in coding exon 32 of the MYH7 gene, results from a G to A substitution at nucleotide position 4775. The arginine at codon 1592 is replaced by glutamine, an amino acid with highly similar properties. This variant has been reported in a hypertrophic cardiomyopathy (HCM) cohort and a biobank cohort (Homburger JR et al. Proc Natl Acad Sci U S A, 2016 Jun;113:6701-6; Park J et al. Hum Mol Genet, 2022 Mar;31:827-837). This amino acid position is highly conserved in available vertebrate species. In addition, this alteration is predicted to be deleterious by in silico analysis. Based on the available evidence, the clinical significance of this variant remains unclear.

All of Us Research Program, National Institutes of Health
Classification: Uncertain significance for Cardiomyopathy. Last evaluated: 2024-05-30. Review status: criteria provided, single submitter. Criteria: ACMG Guidelines, 2015. Collection method: clinical testing. Allele origin: germline. Inheritance: Autosomal dominant inheritance. Observed: 5 variant alleles, 5 heterozygotes.
Comment: This missense variant replaces arginine with glutamine at codon 1592 of the MYH7 protein. Computational prediction suggests that this variant may have deleterious impact on protein structure and function (internally defined REVEL score threshold >= 0.7, PMID: 27666373). To our knowledge, functional studies have not been reported for this variant. This variant has not been reported in individuals affected with MYH7-related disorders in the literature. This variant has been identified in 1/251486 chromosomes in the general population by the Genome Aggregation Database (gnomAD). The available evidence is insufficient to determine the role of this variant in disease conclusively. Therefore, this variant is classified as a Variant of Uncertain Significance.

This study involves interpretation of variants in research participants for the purpose of population health screening. Participant phenotype was not available at the time of variant classification. Additional details can be found in publication PMID: 35346344, PMCID: PMC8962531

Color Diagnostics, LLC DBA Color Health
Classification: Uncertain significance for Cardiomyopathy. Last evaluated: 2024-05-14. Review status: criteria provided, single submitter. Criteria: ACMG Guidelines, 2015. Collection method: clinical testing. Allele origin: germline.
Comment: This missense variant replaces arginine with glutamine at codon 1592 of the MYH7 protein.Computational prediction tools indicate that this variant has a deleterious impact on protein structure and function. To our knowledge, functional studies have not been reported for this variant. This variant has not been reported in individuals affected with MYH7-related disorders in the literature. This variant has been identified in 1/251486 chromosomes in the general population by the Genome Aggregation Database (gnomAD). The available evidence is insufficient to determine the role of this variant in disease conclusively. Therefore, this variant is classified as a Variant of Uncertain Significance.

Fulgent Genetics
Classification: Uncertain significance for MYH7-related skeletal myopathy; Myosin storage myopathy; Hypertrophic cardiomyopathy 1; Myopathy, myosin storage, autosomal recessive; Congenital myopathy 4A, autosomal dominant; Dilated cardiomyopathy 1S. Last evaluated: 2021-08-12. Review status: criteria provided, single submitter. Criteria: ACMG Guidelines, 2015. Collection method: clinical testing. Allele origin: unknown.

Clinical Genetics, Academic Medical Center
Classification: Uncertain significance. Review status: no assertion criteria provided. Collection method: clinical testing. Allele origin: germline. Affected: yes. Study: VKGL Data-share Consensus. Not counted in ClinVar's aggregate classification.

Joint Genome Diagnostic Labs from Nijmegen and Maastricht, Radboudumc and MUMC+
Classification: Uncertain significance. Review status: no assertion criteria provided. Collection method: clinical testing. Allele origin: germline. Affected: yes. Study: VKGL Data-share Consensus. Not counted in ClinVar's aggregate classification.

Literature cited by the submitters: PubMed 27247418 (cited by Ambry Genetics); PubMed 34542152 (cited by Ambry Genetics).

NM_000257.4(MYH7):c.4775G>A (p.Arg1592Gln)

Genes: MHRT (myosin heavy chain associated RNA transcript; plus strand), MYH7 (myosin heavy chain 7; minus strand), LOC126861897 (BRD4-independent group 4 enhancer GRCh37_chr14:23884455-23885654; plus strand). Cytogenetic location: 14q11.2.
Variant type: single nucleotide variant.
Coding change: c.4775G>A on transcript NM_000257.4 (MANE Select); coding-DNA position 4775, G replaced by A.
Protein change: p.Arg1592Gln; replaces arginine 1592 with glutamine.
Molecular consequence: missense variant. On other transcripts: non-coding transcript variant (1).
Genome position (GRCh38, 1-based): chr14:23,416,182, C>T on the plus strand (G>A on the coding strand, the complement: MYH7 is on the minus strand). VCF-style: chr14-23416182-C-T. GRCh37 (hg19) VCF-style: chr14-23885391-C-T.
Other names: short protein forms R1592Q.
Identifiers: ClinVar variation 583310 (VCV000583310.22), dbSNP rs1257980330, ClinGen allele CA389037657.
Genomic context (GRCh38, chr14:23,416,182, plus strand): 5'-AGGGCCTCGTTGCGGCTGCGTGTCTCTGCGTCCAGGGAGGTCTGCAGCGAGTCCACCACC[C>T]GCAGGTGGTTGCGCTTGGCCTGTTCCATCTCCTCGTCCTTCTCTGCCAGCTTCCGCTCGA-3'
Protein context (NP_000248.2, residues 1582-1602): EMEQAKRNHL[Arg1592Gln]VVDSLQTSLD